The following is an entry in ClinVar:

NM_001040108.2(MLH3):c.3792G>C (p.Glu1264Asp)

Gene: MLH3 (mutL homolog 3; minus strand). Cytogenetic location: 14q24.3.
Variant type: single nucleotide variant.
Coding change: c.3792G>C on transcript NM_001040108.2 (MANE Select); coding-DNA position 3792, G replaced by C.
Protein change: p.Glu1264Asp; replaces glutamic acid 1264 with aspartic acid.
Molecular consequence: missense variant.
Genome position (GRCh38, 1-based): chr14:75,032,103, C>G on the plus strand (G>C on the coding strand, the complement: MLH3 is on the minus strand). VCF-style: chr14-75032103-C-G. GRCh37 (hg19) VCF-style: chr14-75498806-C-G.
Other names: c.3720G>C, p.Glu1240Asp (NM_014381.3); short protein forms E1264D, E1240D.
Identifiers: ClinVar variation 1734964 (VCV001734964.6), dbSNP rs1449818415, ClinGen allele CA390424847.

ClinVar aggregate classification (germline): Uncertain significance. Review status: criteria provided, multiple submitters, no conflicts (2 of 4 stars). 2 submissions from 2 submitters: Uncertain significance (2). Last evaluated 2025-03-27.

Conditions:
Colorectal cancer, hereditary nonpolyposis, type 7. Identifiers: Orphanet 144, MedGen C1858380, MONDO:0013725, OMIM 614385.

Allele frequency attached by ClinVar (database versions not stated): gnomAD 0.00001.

Submissions (2):

Ambry Genetics
Classification: Uncertain significance. Last evaluated: 2025-03-27. Review status: criteria provided, single submitter. Criteria: Ambry Variant Classification Scheme 2023. Collection method: clinical testing. Allele origin: germline.
Comment: The p.E1264D variant (also known as c.3792G>C), located in coding exon 7 of the MLH3 gene, results from a G to C substitution at nucleotide position 3792. The glutamic acid at codon 1264 is replaced by aspartic acid, an amino acid with highly similar properties. This amino acid position is well conserved in available vertebrate species. In addition, this alteration is predicted to be tolerated by in silico analysis. Since supporting evidence is limited at this time, the clinical significance of this alteration remains unclear.

Labcorp Genetics (formerly Invitae), Labcorp
Classification: Uncertain significance for Colorectal cancer, hereditary nonpolyposis, type 7. Last evaluated: 2024-12-17. Review status: criteria provided, single submitter. Criteria: Invitae Variant Classification Sherloc (09022015). Collection method: clinical testing. Allele origin: germline.
Comment: This sequence change replaces glutamic acid, which is acidic and polar, with aspartic acid, which is acidic and polar, at codon 1264 of the MLH3 protein (p.Glu1264Asp). This variant is not present in population databases (gnomAD no frequency). This variant has not been reported in the literature in individuals affected with MLH3-related conditions. ClinVar contains an entry for this variant (Variation ID: 1734964). An algorithm developed to predict the effect of missense changes on protein structure and function (PolyPhen-2) suggests that this variant is likely to be tolerated. In summary, the available evidence is currently insufficient to determine the role of this variant in disease. Therefore, it has been classified as a Variant of Uncertain Significance.